The following is an entry in ClinVar:

ClinVar aggregate classification (germline): Uncertain significance. Review status: criteria provided, multiple submitters, no conflicts (2 of 4 stars). 3 submissions from 3 submitters: Uncertain significance (3). Last evaluated 2025-02-19.

Conditions:
Autosomal dominant osteopetrosis 1 (OPTA1). Also called: OSTEOPETROSIS, AUTOSOMAL DOMINANT, TYPE I. Identifiers: Orphanet 2783, MedGen C1843330, MONDO:0011877, OMIM 607634.
Polycystic liver disease 4 with or without kidney cysts. Identifiers: MedGen C4693479, MONDO:0044327, OMIM 617875.
Osteoporosis with pseudoglioma (OPPG). Also called: osteoporosis-pseudoglioma syndrome. Identifiers: Orphanet 2788, MedGen C0432252, MONDO:0009820, OMIM 259770.
Exudative vitreoretinopathy 4 (EVR4). Identifiers: Orphanet 891, MedGen C1866176, MONDO:0011151, OMIM 601813.
Bone mineral density quantitative trait locus 1 (BMND1). Identifiers: MedGen C1866079, OMIM 601884.
Worth disease. Also called: Autosomal dominant osteosclerosis, Worth type; ENDOSTEAL HYPEROSTOSIS, AUTOSOMAL DOMINANT; OSTEOSCLEROSIS, AUTOSOMAL DOMINANT. Identifiers: Orphanet 2790, MedGen C0432273, MONDO:0007764, OMIM 144750.

gnomAD v4.1: 17 of 1,613,930 alleles (0.0011%); highest among the groups gnomAD compares: Non-Finnish European, 0.00085%; no homozygotes.

Submissions (3):

Labcorp Genetics (formerly Invitae), Labcorp
Classification: Uncertain significance. Last evaluated: 2025-02-19. Review status: criteria provided, single submitter. Criteria: Invitae Variant Classification Sherloc (09022015). Collection method: clinical testing. Allele origin: germline.
Comment: This sequence change replaces arginine, which is basic and polar, with cysteine, which is neutral and slightly polar, at codon 298 of the LRP5 protein (p.Arg298Cys). This variant is present in population databases (rs752428183, gnomAD 0.009%). This variant has not been reported in the literature in individuals affected with LRP5-related conditions. ClinVar contains an entry for this variant (Variation ID: 3600183). Invitae Evidence Modeling of protein sequence and biophysical properties (such as structural, functional, and spatial information, amino acid conservation, physicochemical variation, residue mobility, and thermodynamic stability) has been performed for this missense variant. However, the output from this modeling did not meet the statistical confidence thresholds required to predict the impact of this variant on LRP5 protein function. In summary, the available evidence is currently insufficient to determine the role of this variant in disease. Therefore, it has been classified as a Variant of Uncertain Significance.

Fulgent Genetics
Classification: Uncertain significance for Worth disease; Osteoporosis with pseudoglioma; Exudative vitreoretinopathy 4; Bone mineral density quantitative trait locus 1; Autosomal dominant osteopetrosis 1; Polycystic liver disease 4 with or without kidney cysts. Last evaluated: 2024-05-24. Review status: criteria provided, single submitter. Criteria: ACMG Guidelines, 2015. Collection method: clinical testing. Allele origin: germline.

Blueprint Genetics
Classification: Uncertain significance. Last evaluated: 2023-08-23. Review status: criteria provided, single submitter. Criteria: ACMG Guidelines, 2015. Collection method: clinical testing. Allele origin: germline.

NM_002335.4(LRP5):c.892C>T (p.Arg298Cys)

Gene: LRP5 (LDL receptor related protein 5; plus strand). Cytogenetic location: 11q13.2.
Variant type: single nucleotide variant.
Coding change: c.892C>T on transcript NM_002335.4 (MANE Select); coding-DNA position 892, C replaced by T.
Protein change: p.Arg298Cys; replaces arginine 298 with cysteine.
Molecular consequence: missense variant. On other transcripts: 5 prime UTR variant (1).
Genome position (GRCh38, 1-based): chr11:68,365,579, C>T. VCF-style: chr11-68365579-C-T. GRCh37 (hg19) VCF-style: chr11-68133047-C-T.
Other names: c.-874C>T (NM_001291902.2); short protein forms R298C.
Identifiers: ClinVar variation 3600183 (VCV003600183.3).